The following is an entry in ClinVar:

ClinVar aggregate classification (germline): Uncertain significance (1 of 4 stars; one submission).

Allele frequency attached by ClinVar (database versions not stated): gnomAD exomes 0.00006; TOPMed 0.00009; gnomAD 0.00011 and 0.00012; 1000 Genomes Project 30x 0.00016; ESP Exome Variant Server 0.00022.

Submission:

Labcorp Genetics (formerly Invitae), Labcorp
Classification: Uncertain significance. Last evaluated: 2025-11-12. Review status: criteria provided, single submitter. Criteria: Invitae Variant Classification Sherloc (09022015). Collection method: clinical testing. Allele origin: germline.
Comment: This sequence change replaces glutamic acid, which is acidic and polar, with lysine, which is basic and polar, at codon 290 of the FSCN2 protein (p.Glu290Lys). This variant is present in population databases (rs373043784, gnomAD 0.03%). This variant has not been reported in the literature in individuals affected with FSCN2-related conditions. ClinVar contains an entry for this variant (Variation ID: 1433882). An algorithm developed to predict the effect of missense changes on protein structure and function (PolyPhen-2) suggests that this variant is likely to be disruptive. In summary, the available evidence is currently insufficient to determine the role of this variant in disease. Therefore, it has been classified as a Variant of Uncertain Significance.

NM_012418.4(FSCN2):c.868G>A (p.Glu290Lys)

Gene: FSCN2 (fascin actin-bundling protein 2, retinal; plus strand). Cytogenetic location: 17q25.3.
Variant type: single nucleotide variant.
Coding change: c.868G>A on transcript NM_012418.4 (MANE Select); coding-DNA position 868, G replaced by A.
Protein change: p.Glu290Lys; replaces glutamic acid 290 with lysine.
Molecular consequence: missense variant.
Genome position (GRCh38, 1-based): chr17:81,535,093, G>A. VCF-style: chr17-81535093-G-A. GRCh37 (hg19) VCF-style: chr17-79502119-G-A.
Other names: c.868G>A, p.Glu290Lys (NM_001077182.3); short protein forms E290K.
Identifiers: ClinVar variation 1433882 (VCV001433882.6), dbSNP rs373043784, ClinGen allele CA295084126.